The following is an entry in ClinVar:

ClinVar aggregate classification (germline): Uncertain significance (1 of 4 stars; one submission).

Conditions:
Meckel-Gruber syndrome. Also called: DYSENCEPHALIA SPLANCHNOCYSTICA; GRUBER SYNDROME; Dysencephalia splachnocystica. Identifiers: Orphanet 564, MedGen C0265215, MONDO:0018921.
Joubert syndrome. Also called: CEREBELLOPARENCHYMAL DISORDER IV; JOUBERT-BOLTSHAUSER SYNDROME; Familial aplasia of the vermis. Identifiers: Orphanet 475, MedGen C5979921, MONDO:0018772.

Allele frequency attached by ClinVar (database versions not stated): gnomAD exomes below 0.00001; TOPMed 0.00001.
gnomAD v4.1: 2 of 1,614,160 alleles (0.00012%); highest among the groups gnomAD compares: Non-Finnish European, 0.00017%; no homozygotes.

Submission:

Labcorp Genetics (formerly Invitae), Labcorp
Classification: Uncertain significance for Joubert syndrome; Meckel-Gruber syndrome. Last evaluated: 2021-06-12. Review status: criteria provided, single submitter. Criteria: Invitae Variant Classification Sherloc (09022015). Collection method: clinical testing. Allele origin: germline.
Comment: This sequence change replaces proline with serine at codon 233 of the TCTN2 protein (p.Pro233Ser). The proline residue is highly conserved and there is a moderate physicochemical difference between proline and serine. This variant is not present in population databases (ExAC no frequency). This variant has not been reported in the literature in individuals with TCTN2-related conditions. Algorithms developed to predict the effect of missense changes on protein structure and function output the following: SIFT: "Deleterious"; PolyPhen-2: "Benign"; Align-GVGD: "Class C0". The serine amino acid residue is found in multiple mammalian species, suggesting that this missense change does not adversely affect protein function. These predictions have not been confirmed by published functional studies and their clinical significance is uncertain. In summary, the available evidence is currently insufficient to determine the role of this variant in disease. Therefore, it has been classified as a Variant of Uncertain Significance.

NM_024809.5(TCTN2):c.697C>T (p.Pro233Ser)

Gene: TCTN2 (tectonic family member 2; plus strand). Cytogenetic location: 12q24.31.
Variant type: single nucleotide variant.
Coding change: c.697C>T on transcript NM_024809.5 (MANE Select); coding-DNA position 697, C replaced by T.
Protein change: p.Pro233Ser; replaces proline 233 with serine.
Molecular consequence: missense variant.
Genome position (GRCh38, 1-based): chr12:123,686,968, C>T. VCF-style: chr12-123686968-C-T. GRCh37 (hg19) VCF-style: chr12-124171515-C-T.
Other names: c.694C>T, p.Pro232Ser (NM_001143850.3); short protein forms P233S, P232S.
Identifiers: ClinVar variation 1480217 (VCV001480217.8), dbSNP rs1156772105, ClinGen allele CA387161985.
Genomic context (GRCh38, chr12:123,686,968, plus strand): 5'-CCTCCTTTTGATCAGCTCTGCTCTGCTGGGACGACGACACGTGGTGTCCCCGATTGGTTT[C>T]CCTTTCTGTGTGTGCAGTCCCCCCTTGCCAACACACCCTTCCTTGGTTACTTCTATCATG-3'
Protein context (NP_079085.2, residues 223-243): TTTRGVPDWF[Pro233Ser]FLCVQSPLAN